The following is an entry in ClinVar:

ClinVar aggregate classification (germline): Uncertain significance. Review status: criteria provided, single submitter (1 of 4 stars). 2 submissions from 2 submitters: Uncertain significance (1). 1 of the submissions does not count toward it. Last evaluated 2022-02-24.

Conditions:
Retinitis pigmentosa 25 (RP25). Identifiers: Orphanet 791, MedGen C1864446, MONDO:0011272, OMIM 602772.

Allele frequency attached by ClinVar (database versions not stated): gnomAD 0.00001; gnomAD exomes 0.00001; TOPMed 0.00001.
gnomAD v4.1: 4 of 1,549,796 alleles (0.00026%); highest among the groups gnomAD compares: Non-Finnish European, 0.00026%; no homozygotes.

Submissions (2):

Labcorp Genetics (formerly Invitae), Labcorp
Classification: Uncertain significance. Last evaluated: 2022-02-24. Review status: criteria provided, single submitter. Criteria: Invitae Variant Classification Sherloc (09022015). Collection method: clinical testing. Allele origin: germline.
Comment: This sequence change replaces cysteine, which is neutral and slightly polar, with serine, which is neutral and polar, at codon 1028 of the EYS protein (p.Cys1028Ser). This variant is present in population databases (no rsID available, gnomAD 0.002%). This variant has not been reported in the literature in individuals affected with EYS-related conditions. ClinVar contains an entry for this variant (Variation ID: 948879). Algorithms developed to predict the effect of missense changes on protein structure and function (SIFT, PolyPhen-2, Align-GVGD) all suggest that this variant is likely to be disruptive. In summary, the available evidence is currently insufficient to determine the role of this variant in disease. Therefore, it has been classified as a Variant of Uncertain Significance.

Natera, Inc.
Classification: Uncertain significance for Retinitis pigmentosa type 25. Last evaluated: 2021-03-11. Review status: no assertion criteria provided. Collection method: clinical testing. Allele origin: germline. Not counted in ClinVar's aggregate classification.

NM_001142800.2(EYS):c.3083G>C (p.Cys1028Ser)

Gene: EYS (eyes shut homolog; minus strand). Cytogenetic location: 6q12.
Variant type: single nucleotide variant.
Coding change: c.3083G>C on transcript NM_001142800.2 (MANE Select); coding-DNA position 3083, G replaced by C.
Protein change: p.Cys1028Ser; replaces cysteine 1028 with serine.
Molecular consequence: missense variant.
Genome position (GRCh38, 1-based): chr6:64,822,732, C>G on the plus strand (G>C on the coding strand, the complement: EYS is on the minus strand). VCF-style: chr6-64822732-C-G. GRCh37 (hg19) VCF-style: chr6-65532625-C-G.
Other names: c.3083G>C, p.Cys1028Ser (NM_001292009.2); short protein forms C1028S.
Identifiers: ClinVar variation 948879 (VCV000948879.8), dbSNP rs1407301072, ClinGen allele CA364787785.